The following is an entry in ClinVar:

ClinVar aggregate classification (germline): Uncertain significance (1 of 4 stars; one submission).

Conditions:
Hereditary cancer-predisposing syndrome. Also called: Neoplastic Syndromes, Hereditary; Tumor predisposition; Hereditary Cancer Syndrome; Hereditary neoplastic syndrome. Identifiers: Orphanet 140162, MedGen C0027672, MeSH D009386, MONDO:0015356.
Cardiovascular phenotype. Identifiers: MedGen CN230736.

Submission:

Ambry Genetics
Classification: Uncertain significance for Cardiovascular phenotype; Hereditary cancer-predisposing syndrome. Last evaluated: 2018-03-30. Review status: criteria provided, single submitter. Criteria: Ambry Variant Classification Scheme 2023. Collection method: clinical testing. Allele origin: germline.
Comment: The c.3765_3766insATT variant (also known as p.Q1255_L1256insI), located in coding exon 28 of the NF1 gene, results from an in-frame ATT insertion at nucleotide positions 3765 to 3766. This results in the insertion of an extra isoleucine residue between codons 1255 and 1256. In addition, this alteration is predicted to be deleterious by in silico analysis (Choi Y et al., PLoS ONE 2012; 7(10):e46688). Since supporting evidence is limited at this time, the clinical significance of this alteration remains unclear.

NM_001042492.3(NF1):c.3765_3766insATT (p.Gln1255_Leu1256insIle)

Gene: NF1 (neurofibromin 1; plus strand). Cytogenetic location: 17q11.2.
Variant type: Insertion.
Coding change: c.3765_3766insATT on transcript NM_001042492.3 (MANE Select); coding-DNA positions 3765 to 3766, ATT inserted.
Protein change: p.Gln1255_Leu1256insIle.
Molecular consequence: inframe insertion. On other transcripts: inframe indel (1).
Genome position: GRCh38 VCF-style: chr17-31235667-A-AATT. GRCh37 (hg19) VCF-style: chr17-29562685-A-AATT.
Other names: c.3765_3766insATT, p.Gln1255_Leu1256insIle (NM_000267.4).
Identifiers: ClinVar variation 1734705 (VCV001734705.2), dbSNP rs2508259003, ClinGen allele CA2580093095.
Genomic context (GRCh38, chr17:31,235,667, plus strand): 5'-TCAGGATGAACTAGCTCGAGTTCTGGTTACTCTGTTTGATTCTCGGCATTTACTCTACCA[A>AATT]CTGCTCTGGAACATGTTTTCTAAAGAAGTAGAATTGGCAGACTCCATGCAGACTCTCTTC-3'